The following is an entry in ClinVar:

ClinVar aggregate classification (germline): Pathogenic (1 of 4 stars; one submission).

Submission:

Labcorp Genetics (formerly Invitae), Labcorp
Classification: Pathogenic. Last evaluated: 2024-12-09. Review status: criteria provided, single submitter. Criteria: Invitae Variant Classification Sherloc (09022015). Collection method: clinical testing. Allele origin: germline.
Comment: This sequence change creates a premature translational stop signal (p.Gln561*) in the TBCD gene. It is expected to result in an absent or disrupted protein product. Loss-of-function variants in TBCD are known to be pathogenic (PMID: 27666370, 27666374). This variant is not present in population databases (gnomAD no frequency). This variant has not been reported in the literature in individuals affected with TBCD-related conditions. ClinVar contains an entry for this variant (Variation ID: 2700170). For these reasons, this variant has been classified as Pathogenic.

Literature cited by the submitters: PubMed 27666370; PubMed 27666374.

NM_005993.5(TBCD):c.1681C>T (p.Gln561Ter)

Gene: TBCD (tubulin folding cofactor D). Cytogenetic location: 17q25.3.
Variant type: single nucleotide variant.
Coding change: c.1681C>T on transcript NM_005993.5 (MANE Select); coding-DNA position 1681, C replaced by T.
Protein change: p.Gln561Ter; replaces glutamine 561 with a stop codon.
Molecular consequence: nonsense. On other transcripts: intron variant (1).
Genome position (GRCh38, 1-based): chr17:82,900,682, C>T. VCF-style: chr17-82900682-C-T. GRCh37 (hg19) VCF-style: chr17-80858558-C-T.
Other names: c.1630C>T, p.Gln544Ter (NM_001411101.1); c.1650-2723C>T (NM_001411102.1); short protein forms Q561*, Q544*.
Identifiers: ClinVar variation 2700170 (VCV002700170.3), dbSNP rs2510253000, ClinGen allele CA401628150.